The following is an entry in ClinVar:

NM_002905.5(RDH5):c.262A>C (p.Ser88Arg)

Genes: BLOC1S1-RDH5 (BLOC1S1-RDH5 readthrough; plus strand), RDH5 (retinol dehydrogenase 5; plus strand). Cytogenetic location: 12q13.2.
Variant type: single nucleotide variant.
Coding change: c.262A>C on transcript NM_002905.5 (MANE Select); coding-DNA position 262, A replaced by C.
Protein change: p.Ser88Arg; replaces serine 88 with arginine.
Molecular consequence: missense variant.
Genome position (GRCh38, 1-based): chr12:55,721,446, A>C. VCF-style: chr12-55721446-A-C. GRCh37 (hg19) VCF-style: chr12-56115230-A-C.
Other names: c.262A>C, p.Ser88Arg (NM_001199771.3); short protein forms S88R.
Identifiers: ClinVar variation 1471855 (VCV001471855.5), dbSNP rs976400437, ClinGen allele CA237593519.

ClinVar aggregate classification (germline): Uncertain significance (1 of 4 stars; one submission).

Allele frequency attached by ClinVar (database versions not stated): TOPMed 0.00001.

Submission:

Labcorp Genetics (formerly Invitae), Labcorp
Classification: Uncertain significance. Last evaluated: 2022-08-23. Review status: criteria provided, single submitter. Criteria: Invitae Variant Classification Sherloc (09022015). Collection method: clinical testing. Allele origin: germline.
Comment: This sequence change replaces serine, which is neutral and polar, with arginine, which is basic and polar, at codon 88 of the RDH5 protein (p.Ser88Arg). This variant is not present in population databases (gnomAD no frequency). This variant has not been reported in the literature in individuals affected with RDH5-related conditions. ClinVar contains an entry for this variant (Variation ID: 1471855). Algorithms developed to predict the effect of missense changes on protein structure and function (SIFT, PolyPhen-2, Align-GVGD) all suggest that this variant is likely to be disruptive. In summary, the available evidence is currently insufficient to determine the role of this variant in disease. Therefore, it has been classified as a Variant of Uncertain Significance.